The following is an entry in ClinVar:

NM_000181.4(GUSB):c.1654-2A>G

Gene: GUSB (glucuronidase beta; minus strand). Cytogenetic location: 7q11.21.
Variant type: single nucleotide variant.
Coding change: c.1654-2A>G on transcript NM_000181.4 (MANE Select); the canonical splice acceptor site of the intron before coding-DNA position 1654, A replaced by G.
Molecular consequence: splice acceptor variant.
Genome position (GRCh38, 1-based): chr7:65,964,460, T>C on the plus strand (A>G on the coding strand, the complement: GUSB is on the minus strand). VCF-style: chr7-65964460-T-C. GRCh37 (hg19) VCF-style: chr7-65429447-T-C.
Other names: c.997-2A>G (NM_001293105.2); c.1084-2A>G (NM_001293104.2); c.1216-2A>G (NM_001284290.2).
Identifiers: ClinVar variation 4774404 (VCV004774404.1).

ClinVar aggregate classification (germline): Likely pathogenic (1 of 4 stars; one submission).

Conditions:
Mucopolysaccharidosis type 7 (MPS7). Also called: MPS VII; BETA-GLUCURONIDASE DEFICIENCY; GUSB DEFICIENCY; SLY SYNDROME. Identifiers: Orphanet 584, MedGen C0085132, MONDO:0009662, OMIM 253220.

gnomAD v4.1: 1 of 1,610,646 alleles (0.000062%); highest among the groups gnomAD compares: Non-Finnish European, 0.000085%; no homozygotes.

Submission:

Labcorp Genetics (formerly Invitae), Labcorp
Classification: Likely pathogenic for Mucopolysaccharidosis type 7. Last evaluated: 2025-04-23. Review status: criteria provided, single submitter. Criteria: Invitae Variant Classification Sherloc (09022015). Collection method: clinical testing. Allele origin: germline.
Comment: This sequence change affects an acceptor splice site in intron 10 of the GUSB gene. It is expected to disrupt RNA splicing. Variants that disrupt the donor or acceptor splice site typically lead to a loss of protein function (PMID: 16199547), and loss-of-function variants in GUSB are known to be pathogenic (PMID: 19224584). This variant is not present in population databases (gnomAD no frequency). This variant has not been reported in the literature in individuals affected with GUSB-related conditions. Algorithms developed to predict the effect of sequence changes on RNA splicing suggest that this variant may disrupt the consensus splice site. In summary, the currently available evidence indicates that the variant is pathogenic, but additional data are needed to prove that conclusively. Therefore, this variant has been classified as Likely Pathogenic.

Literature cited by the submitters: PubMed 16199547; PubMed 19224584.